The following is an entry in ClinVar:

NM_015103.3(PLXND1):c.780C>G (p.Ser260=)

Gene: PLXND1 (plexin D1; minus strand). Cytogenetic location: 3q22.1.
Variant type: single nucleotide variant.
Coding change: c.780C>G on transcript NM_015103.3 (MANE Select); coding-DNA position 780, C replaced by G.
Protein change: p.Ser260=; no amino-acid change (serine 260 retained).
Molecular consequence: synonymous variant.
Genome position (GRCh38, 1-based): chr3:129,605,860, G>C on the plus strand (C>G on the coding strand, the complement: PLXND1 is on the minus strand). VCF-style: chr3-129605860-G-C. GRCh37 (hg19) VCF-style: chr3-129324703-G-C.
Identifiers: ClinVar variation 791248 (VCV000791248.31), dbSNP rs139286065, ClinGen allele CA2609491.

ClinVar aggregate classification (germline): Benign/Likely benign. Review status: criteria provided, multiple submitters, no conflicts (2 of 4 stars). 5 submissions from 5 submitters: Benign (2); Likely benign (2). 1 of the submissions does not count toward it. Last evaluated 2024-11-18.

Conditions:
PLXND1-related disorder. Also called: PLXND1-related condition.

Allele frequency attached by ClinVar (database versions not stated): 1000 Genomes Project 30x 0.00047; 1000 Genomes Project 0.00060; ESP Exome Variant Server 0.00161; gnomAD exomes 0.00179 and 0.00221; TOPMed 0.00190; gnomAD 0.00196 and 0.00205; ExAC 0.00219.
gnomAD v4.1: 3,512 of 1,613,544 alleles (0.22%); highest among the groups gnomAD compares: Non-Finnish European, 0.27%; 5 homozygotes.

Submissions (5):

Blueprint Genetics
Classification: Likely benign. Last evaluated: 2024-11-18. Review status: criteria provided, single submitter. Criteria: ACMG Guidelines, 2015. Collection method: clinical testing. Allele origin: germline.

CeGaT Center for Human Genetics Tuebingen
Classification: Likely benign. Last evaluated: 2022-06-01. Review status: criteria provided, single submitter. Criteria: CeGaT Center For Human Genetics Tuebingen Variant Classification Criteria Version 2. Collection method: clinical testing. Allele origin: germline. Affected: yes. Observed: 1 variant allele.
Comment: PLXND1: BP4, BP7

Labcorp Genetics (formerly Invitae), Labcorp
Classification: Benign. Last evaluated: 2019-12-31. Review status: criteria provided, single submitter. Criteria: Invitae Variant Classification Sherloc (09022015). Collection method: clinical testing. Allele origin: germline.

Breakthrough Genomics
Classification: Benign. Review status: criteria provided, single submitter. Criteria: ACMG Guidelines, 2015. Collection method: not provided. Allele origin: germline. Inheritance: Unknown mechanism. Affected: yes.

PreventionGenetics, part of Exact Sciences
Classification: Likely benign for PLXND1-related condition. Last evaluated: 2019-10-28. Review status: no assertion criteria provided. Collection method: clinical testing. Allele origin: germline. Not counted in ClinVar's aggregate classification.
Comment: This variant is classified as likely benign based on ACMG/AMP sequence variant interpretation guidelines (Richards et al. 2015 PMID: 25741868, with internal and published modifications).